The following is an entry in ClinVar:

NM_013382.7(POMT2):c.997A>G (p.Ile333Val)

Gene: POMT2 (protein O-mannosyltransferase 2; minus strand). Cytogenetic location: 14q24.3.
Variant type: single nucleotide variant.
Coding change: c.997A>G on transcript NM_013382.7 (MANE Select); coding-DNA position 997, A replaced by G.
Protein change: p.Ile333Val; replaces isoleucine 333 with valine.
Molecular consequence: missense variant.
Genome position (GRCh38, 1-based): chr14:77,298,698, T>C on the plus strand (A>G on the coding strand, the complement: POMT2 is on the minus strand). VCF-style: chr14-77298698-T-C. GRCh37 (hg19) VCF-style: chr14-77765041-T-C.
Other names: short protein forms I333V.
Identifiers: ClinVar variation 1017589 (VCV001017589.9), dbSNP rs1890917117, ClinGen allele CA390519679.

ClinVar aggregate classification (germline): Uncertain significance (1 of 4 stars; one submission).

Conditions:
Muscular dystrophy-dystroglycanopathy (congenital with brain and eye anomalies), type A2. Also called: MUSCULAR DYSTROPHY-DYSTROGLYCANOPATHY (CONGENITAL WITH BRAIN AND EYE ANOMALIES), TYPE A, 2; WALKER-WARBURG SYNDROME OR MUSCLE-EYE-BRAIN DISEASE, POMT2-RELATED. Identifiers: Orphanet 588, Orphanet 899, MedGen C3150411, MONDO:0013154, OMIM 613150.
Muscular dystrophy-dystroglycanopathy (congenital with impaired intellectual development), type B, 2. Also called: MUSCULAR DYSTROPHY, CONGENITAL, POMT2-RELATED; Muscular dystrophy-dystroglycanopathy (congenital with intellectual disability), type B2. Identifiers: MedGen C3150416, MONDO:0013160, OMIM 613156.
Autosomal recessive limb-girdle muscular dystrophy type 2N. Also called: Muscular dystrophy-dystroglycanopathy (limb-girdle), type C, 2; MUSCULAR DYSTROPHY-DYSTROGLYCANOPATHY, LIMB-GIRDLE, POMT2-RELATED. Identifiers: Orphanet 206559, MedGen C3150418, MONDO:0013162, OMIM 613158.

Allele frequency attached by ClinVar (database versions not stated): gnomAD exomes below 0.00001.
gnomAD v4.1: 2 of 1,613,788 alleles (0.00012%); highest among the groups gnomAD compares: Non-Finnish European, 0.00017%; no homozygotes.

Submission:

Labcorp Genetics (formerly Invitae), Labcorp
Classification: Uncertain significance for Muscular dystrophy-dystroglycanopathy (congenital with impaired intellectual development), type B, 2; Muscular dystrophy-dystroglycanopathy (congenital with brain and eye anomalies), type A2; Autosomal recessive limb-girdle muscular dystrophy type 2N. Last evaluated: 2020-02-27. Review status: criteria provided, single submitter. Criteria: Invitae Variant Classification Sherloc (09022015). Collection method: clinical testing. Allele origin: germline.
Comment: Algorithms developed to predict the effect of missense changes on protein structure and function output the following: SIFT: "Tolerated"; PolyPhen-2: "Benign"; Align-GVGD: "Class C0". The valine amino acid residue is found in multiple mammalian species, suggesting that this missense change does not adversely affect protein function. These predictions have not been confirmed by published functional studies and their clinical significance is uncertain. This sequence change replaces isoleucine with valine at codon 333 of the POMT2 protein (p.Ile333Val). The isoleucine residue is moderately conserved and there is a small physicochemical difference between isoleucine and valine. This variant is not present in population databases (ExAC no frequency). This variant has not been reported in the literature in individuals with POMT2-related conditions. In summary, the available evidence is currently insufficient to determine the role of this variant in disease. Therefore, it has been classified as a Variant of Uncertain Significance.